The following is an entry in ClinVar:

NM_001009944.3(PKD1):c.1669_1670del (p.Leu557fs)

Gene: PKD1 (polycystin 1, transient receptor potential channel interacting; minus strand). Cytogenetic location: 16p13.3.
Variant type: Deletion.
Coding change: c.1669_1670del on transcript NM_001009944.3 (MANE Select); coding-DNA positions 1669 to 1670, 2 bases deleted (CT; older notation c.1669_1670delCT).
Protein change: p.Leu557fs; shifts the reading frame from leucine 557.
Molecular consequence: frameshift variant.
Genome position (GRCh38, 1-based): chr16:2,116,581-2,116,582, AG deleted on the plus strand (CT on the coding strand, the reverse complement: PKD1 is on the minus strand). VCF-style (leftmost placement, unchanged base first): chr16-2116580-CAG-C. GRCh37 (hg19) VCF-style: chr16-2166581-CAG-C.
Other names: c.1669_1670del, p.Leu557fs (NM_000296.4); c.1669_1670delCT, p.Leu557Aspfs (NM_001009944.2); short protein forms L557fs.
Identifiers: ClinVar variation 3252767 (VCV003252767.1), dbSNP rs1397649778.

ClinVar aggregate classification (germline): Pathogenic (1 of 4 stars; one submission).

Submission:

GeneDx
Classification: Pathogenic. Last evaluated: 2023-10-05. Review status: criteria provided, single submitter. Criteria: GeneDx Variant Classification Process June 2021. Collection method: clinical testing. Allele origin: germline. Affected: yes.
Comment: Frameshift variant predicted to result in protein truncation or nonsense mediated decay in a gene for which loss of function is a known mechanism of disease; Not observed at significant frequency in large population cohorts (gnomAD); This variant is associated with the following publications: (PMID: 30820006, 31740684)